The following is an entry in ClinVar:

NM_000317.3(PTS):c.200C>A (p.Thr67Lys)

Gene: PTS (6-pyruvoyltetrahydropterin synthase; plus strand). Cytogenetic location: 11q23.1.
Variant type: single nucleotide variant.
Coding change: c.200C>A on transcript NM_000317.3 (MANE Select); coding-DNA position 200, C replaced by A.
Protein change: p.Thr67Lys; replaces threonine 67 with lysine.
Molecular consequence: missense variant.
Genome position (GRCh38, 1-based): chr11:112,230,639, C>A. VCF-style: chr11-112230639-C-A. GRCh37 (hg19) VCF-style: chr11-112101362-C-A.
Other names: short protein forms T67K.
Identifiers: ClinVar variation 1458067 (VCV001458067.6), dbSNP rs370340361, ClinGen allele CA382627639.

ClinVar aggregate classification (germline): Pathogenic (1 of 4 stars; one submission).

Conditions:
6-Pyruvoyl-tetrahydrobiopterin synthase deficiency. Also called: Hyperphenylalanemia, BH4-deficient, A; Hyperphenylalaninemia due to 6-pyruvoyl-tetrahydropterin synthase deficiency; 6-Pyruvoyltetrahydropterin Synthase Deficiency; HYPERPHENYLALANINEMIA, TETRAHYDROBIOPTERIN-DEFICIENT, DUE TO PTS DEFICIENCY; BH4-deficient hyperphenylalaninemia A; PTS-Related Tetrahydrobiopterin Deficiency. Identifiers: Orphanet 13, Orphanet 238583, MedGen C0878676, MONDO:0009863, OMIM 261640.

Submission:

Labcorp Genetics (formerly Invitae), Labcorp
Classification: Pathogenic for 6-Pyruvoyl-tetrahydrobiopterin synthase deficiency. Last evaluated: 2022-12-06. Review status: criteria provided, single submitter. Criteria: Invitae Variant Classification Sherloc (09022015). Collection method: clinical testing. Allele origin: germline.
Comment: For these reasons, this variant has been classified as Pathogenic. This variant disrupts the p.Thr67 amino acid residue in PTS. Other variant(s) that disrupt this residue have been determined to be pathogenic (PMID: 9222757, 11388593, 11438997). This suggests that this residue is clinically significant, and that variants that disrupt this residue are likely to be disease-causing. Algorithms developed to predict the effect of missense changes on protein structure and function are either unavailable or do not agree on the potential impact of this missense change (SIFT: "Deleterious"; PolyPhen-2: "Probably Damaging"; Align-GVGD: "Class C15"). ClinVar contains an entry for this variant (Variation ID: 1458067). This missense change has been observed in individual(s) with biopterin deficient hyperphenylalanemia (PMID: 16850690). In at least one individual the data is consistent with being in trans (on the opposite chromosome) from a pathogenic variant. This variant is not present in population databases (gnomAD no frequency). This sequence change replaces threonine, which is neutral and polar, with lysine, which is basic and polar, at codon 67 of the PTS protein (p.Thr67Lys).

Literature cited by the submitters: PubMed 9222757; PubMed 11388593; PubMed 11438997; PubMed 16850690.